The following is an entry in ClinVar:

NM_032043.3(BRIP1):c.3727G>C (p.Gly1243Arg)

Gene: BRIP1 (BRCA1 interacting DNA helicase 1; minus strand). Cytogenetic location: 17q23.2.
Variant type: single nucleotide variant.
Coding change: c.3727G>C on transcript NM_032043.3 (MANE Select); coding-DNA position 3727, G replaced by C.
Protein change: p.Gly1243Arg; replaces glycine 1243 with arginine.
Molecular consequence: missense variant.
Genome position (GRCh38, 1-based): chr17:61,683,319, C>G on the plus strand (G>C on the coding strand, the complement: BRIP1 is on the minus strand). VCF-style: chr17-61683319-C-G. GRCh37 (hg19) VCF-style: chr17-59760680-C-G.
Other names: short protein forms G1243R.
Identifiers: ClinVar variation 5033408 (VCV005033408.1).

ClinVar aggregate classification (germline): Uncertain significance (1 of 4 stars; one submission).

Conditions:
Hereditary cancer-predisposing syndrome. Also called: Neoplastic Syndromes, Hereditary; Tumor predisposition; Hereditary neoplastic syndrome; Hereditary Cancer Syndrome. Identifiers: Orphanet 140162, MedGen C0027672, MeSH D009386, MONDO:0015356.

Submission:

Ambry Genetics
Classification: Uncertain significance for Hereditary cancer-predisposing syndrome. Last evaluated: 2026-07-06. Review status: criteria provided, single submitter. Criteria: Ambry Variant Classification Scheme 2023. Collection method: clinical testing. Allele origin: germline.
Comment: The p.G1243R variant (also known as c.3727G>C), located in coding exon 19 of the BRIP1 gene, results from a G to C substitution at nucleotide position 3727. The glycine at codon 1243 is replaced by arginine, an amino acid with dissimilar properties. This amino acid position is conserved. In addition, this alteration is predicted to be tolerated by in silico analysis. Based on the available evidence, the clinical significance of this variant remains unclear.